The following is an entry in ClinVar:

ClinVar aggregate classification (germline): Uncertain significance (1 of 4 stars; one submission).

Conditions:
Spondylodysplastic Ehlers-Danlos syndrome. Identifiers: Orphanet 536471, Orphanet 75496, MedGen C5680154, MONDO:0007526.

Submission:

Labcorp Genetics (formerly Invitae), Labcorp
Classification: Uncertain significance for Spondylodysplastic Ehlers-Danlos syndrome. Last evaluated: 2024-10-15. Review status: criteria provided, single submitter. Criteria: Invitae Variant Classification Sherloc (09022015). Collection method: clinical testing. Allele origin: germline.
Comment: This sequence change replaces methionine, which is neutral and non-polar, with valine, which is neutral and non-polar, at codon 313 of the B4GALT7 protein (p.Met313Val). This variant is not present in population databases (gnomAD no frequency). This variant has not been reported in the literature in individuals affected with B4GALT7-related conditions. ClinVar contains an entry for this variant (Variation ID: 1473318). Invitae Evidence Modeling of protein sequence and biophysical properties (such as structural, functional, and spatial information, amino acid conservation, physicochemical variation, residue mobility, and thermodynamic stability) indicates that this missense variant is not expected to disrupt B4GALT7 protein function with a negative predictive value of 80%. In summary, the available evidence is currently insufficient to determine the role of this variant in disease. Therefore, it has been classified as a Variant of Uncertain Significance.

NM_007255.3(B4GALT7):c.937A>G (p.Met313Val)

Gene: B4GALT7 (beta-1,4-galactosyltransferase 7; plus strand). Cytogenetic location: 5q35.3.
Variant type: single nucleotide variant.
Coding change: c.937A>G on transcript NM_007255.3 (MANE Select); coding-DNA position 937, A replaced by G.
Protein change: p.Met313Val; replaces methionine 313 with valine.
Molecular consequence: missense variant.
Genome position (GRCh38, 1-based): chr5:177,609,648, A>G. VCF-style: chr5-177609648-A-G. GRCh37 (hg19) VCF-style: chr5-177036649-A-G.
Other names: short protein forms M313V.
Identifiers: ClinVar variation 1473318 (VCV001473318.8), dbSNP rs1768121721, ClinGen allele CA362377657.